The following is an entry in ClinVar:

NM_020779.4(WDR35):c.259A>T (p.Thr87Ser)

Gene: WDR35 (WD repeat domain 35; minus strand). Cytogenetic location: 2p24.1.
Variant type: single nucleotide variant.
Coding change: c.259A>T on transcript NM_020779.4 (MANE Select); coding-DNA position 259, A replaced by T.
Protein change: p.Thr87Ser; replaces threonine 87 with serine.
Molecular consequence: missense variant.
Genome position (GRCh38, 1-based): chr2:19,980,739, T>A on the plus strand (A>T on the coding strand, the complement: WDR35 is on the minus strand). VCF-style: chr2-19980739-T-A. GRCh37 (hg19) VCF-style: chr2-20180500-T-A.
Other names: c.259A>T, p.Thr87Ser (NM_001006657.2); short protein forms T87S.
Identifiers: ClinVar variation 1390110 (VCV001390110.6), dbSNP rs2103463081, ClinGen allele CA345948194.
Genomic context (GRCh38, chr2:19,980,739, plus strand): 5'-AGTAAAGTATACCTTTATATAACATCCACACAATGATAAGCCCGTTTTCATCACTGGTAG[T>A]CAACTTCTGATACTGCTCATTCCATGTTACAACTTGAACAGAACCTAGAACATTATAAAA-3'
Protein context (NP_065830.2, residues 77-97): VTWNEQYQKL[Thr87Ser]TSDENGLIIV

ClinVar aggregate classification (germline): Uncertain significance (1 of 4 stars; one submission).

Conditions:
Cranioectodermal dysplasia 2 (CED2). Identifiers: Orphanet 1515, MedGen C3150874, MONDO:0013323, OMIM 613610.
Short-rib thoracic dysplasia 7 with or without polydactyly (SRTD7). Also called: SHORT-RIB THORACIC DYSPLASIA 7 WITH POLYDACTYLY; Short rib polydactyly syndrome 5. Identifiers: Orphanet 498497, Orphanet 93271, MedGen C3279792, MONDO:0013569, OMIM 614091.

Submission:

Labcorp Genetics (formerly Invitae), Labcorp
Classification: Uncertain significance for Cranioectodermal dysplasia 2; Short-rib thoracic dysplasia 7 with or without polydactyly. Last evaluated: 2022-08-16. Review status: criteria provided, single submitter. Criteria: Invitae Variant Classification Sherloc (09022015). Collection method: clinical testing. Allele origin: germline.
Comment: Algorithms developed to predict the effect of missense changes on protein structure and function (SIFT, PolyPhen-2, Align-GVGD) all suggest that this variant is likely to be disruptive. This sequence change replaces threonine, which is neutral and polar, with serine, which is neutral and polar, at codon 87 of the WDR35 protein (p.Thr87Ser). This variant is not present in population databases (gnomAD no frequency). This variant has not been reported in the literature in individuals affected with WDR35-related conditions. ClinVar contains an entry for this variant (Variation ID: 1390110). In summary, the available evidence is currently insufficient to determine the role of this variant in disease. Therefore, it has been classified as a Variant of Uncertain Significance.